The following is an entry in ClinVar:

ClinVar aggregate classification (germline): Likely pathogenic (1 of 4 stars; one submission).

Submission:

Labcorp Genetics (formerly Invitae), Labcorp
Classification: Likely pathogenic. Last evaluated: 2021-12-20. Review status: criteria provided, single submitter. Criteria: Invitae Variant Classification Sherloc (09022015). Collection method: clinical testing. Allele origin: germline.
Comment: In summary, the currently available evidence indicates that the variant is pathogenic, but additional data are needed to prove that conclusively. Therefore, this variant has been classified as Likely Pathogenic. This variant has not been reported in the literature in individuals affected with ABCC8-related conditions. This variant results in the deletion of part of exon 20 and exon 21 (c.2473_2556+325del) of the ABCC8 gene. It is expected to disrupt RNA splicing. Variants that disrupt the donor or acceptor splice site typically lead to a loss of protein function (PMID: 16199547), and loss-of-function variants in ABCC8 are known to be pathogenic (PMID: 20685672, 23345197).

Literature cited by the submitters: PubMed 16199547; PubMed 20685672; PubMed 23345197.

NC_000011.9:g.(?_17433888)_(17434943_?)del

Gene: ABCC8 (ATP binding cassette subfamily C member 8; minus strand). Cytogenetic location: 11p15.1.
Variant type: Deletion.
Identifiers: ClinVar variation 2422959 (VCV002422959.4).